The following is an entry in ClinVar:

NM_000059.4(BRCA2):c.8551G>T (p.Ala2851Ser)

Gene: BRCA2 (BRCA2 DNA repair associated; plus strand). Cytogenetic location: 13q13.1.
Variant type: single nucleotide variant.
Coding change: c.8551G>T on transcript NM_000059.4 (MANE Select); coding-DNA position 8551, G replaced by T.
Protein change: p.Ala2851Ser; replaces alanine 2851 with serine.
Molecular consequence: missense variant.
Genome position (GRCh38, 1-based): chr13:32,371,019, G>T. VCF-style: chr13-32371019-G-T. GRCh37 (hg19) VCF-style: chr13-32945156-G-T.
Other names: short protein forms A2851S.
Identifiers: ClinVar variation 230484 (VCV000230484.24), dbSNP rs876658592, ClinGen allele CA10579793.

ClinVar aggregate classification (germline): Conflicting classifications of pathogenicity. Review status: criteria provided, conflicting classifications (1 of 4 stars). 8 submissions from 8 submitters: Uncertain significance (7); Likely benign (1). Last evaluated 2025-05-15.

Conditions:
BRCA2-related cancer predisposition. Identifiers: MedGen CN377758, MONDO:0700269.
Hereditary cancer-predisposing syndrome. Also called: Neoplastic Syndromes, Hereditary; Tumor predisposition; Hereditary Cancer Syndrome; Hereditary neoplastic syndrome. Identifiers: Orphanet 140162, MedGen C0027672, MeSH D009386, MONDO:0015356.
Hereditary breast ovarian cancer syndrome. Also called: BRCA1- and BRCA2-Associated Hereditary Breast and Ovarian Cancer; Hereditary breast and ovarian cancer syndrome; Hereditary breast and ovarian cancer; Hereditary breast and ovarian cancer syndrome (HBOC); Breast and ovarian cancer; Hereditary breast and/or ovarian cancer syndrome. Identifiers: Orphanet 145, MedGen C0677776, MeSH D061325, MONDO:0003582. Disease mechanism: loss of function.
Familial cancer of breast. Also called: BREAST CANCER, FAMILIAL; hereditary breast carcinoma; Hereditary breast cancer. Identifiers: Orphanet 227535, MedGen C0346153, MONDO:0016419, OMIM 114480. Disease mechanism: loss of function.

Allele frequency attached by ClinVar (database versions not stated): gnomAD 0.00001.
gnomAD v4.1: 1 of 1,614,018 alleles (0.000062%); highest among the groups gnomAD compares: African/African-American, 0.0013%; no homozygotes.

Submissions (8):

Ambry Genetics
Classification: Likely benign for Hereditary cancer-predisposing syndrome. Last evaluated: 2025-05-15. Review status: criteria provided, single submitter. Criteria: Ambry Variant Classification Scheme 2023. Collection method: clinical testing. Allele origin: germline.

Labcorp Genetics (formerly Invitae), Labcorp
Classification: Uncertain significance for Hereditary breast ovarian cancer syndrome. Last evaluated: 2024-12-09. Review status: criteria provided, single submitter. Criteria: Invitae Variant Classification Sherloc (09022015). Collection method: clinical testing. Allele origin: germline.
Comment: This sequence change replaces alanine, which is neutral and non-polar, with serine, which is neutral and polar, at codon 2851 of the BRCA2 protein (p.Ala2851Ser). This variant is present in population databases (no rsID available, gnomAD 0.01%). This variant has not been reported in the literature in individuals affected with BRCA2-related conditions. ClinVar contains an entry for this variant (Variation ID: 230484). Invitae Evidence Modeling of protein sequence and biophysical properties (such as structural, functional, and spatial information, amino acid conservation, physicochemical variation, residue mobility, and thermodynamic stability) indicates that this missense variant is not expected to disrupt BRCA2 protein function with a negative predictive value of 95%. In summary, the available evidence is currently insufficient to determine the role of this variant in disease. Therefore, it has been classified as a Variant of Uncertain Significance.

Women's Health and Genetics/Laboratory Corporation of America, LabCorp
Classification: Uncertain significance. Last evaluated: 2024-10-19. Review status: criteria provided, single submitter. Criteria: LabCorp Variant Classification Summary - May 2015. Collection method: clinical testing. Allele origin: germline.

All of Us Research Program, National Institutes of Health
Classification: Uncertain significance for BRCA2-related cancer predisposition. Last evaluated: 2024-03-24. Review status: criteria provided, single submitter. Criteria: ACMG Guidelines, 2015. Collection method: clinical testing. Allele origin: germline. Inheritance: Autosomal dominant inheritance. Observed: 1 variant allele, 1 heterozygote.
Comment: This missense variant replaces alanine with serine at codon 2851 of the BRCA2 protein. Computational prediction is inconclusive regarding the impact of this variant on protein structure and function. To our knowledge, functional studies have not been reported for this variant. This variant has not been reported in individuals affected with BRCA2-related disorders in the literature. This variant has been identified in 1/31404 chromosomes in the general population by the Genome Aggregation Database (gnomAD). The available evidence is insufficient to determine the role of this variant in disease conclusively. Therefore, this variant is classified as a Variant of Uncertain Significance.

This study involves interpretation of variants in research participants for the purpose of population health screening. Participant phenotype was not available at the time of variant classification. Additional details can be found in publication PMID: 35346344, PMCID: PMC8962531

Color Diagnostics, LLC DBA Color Health
Classification: Uncertain significance for Hereditary cancer-predisposing syndrome. Last evaluated: 2024-01-31. Review status: criteria provided, single submitter. Criteria: ACMG Guidelines, 2015. Collection method: clinical testing. Allele origin: germline.
Comment: This missense variant replaces alanine with serine at codon 2851 of the BRCA2 protein. Computational prediction is inconclusive regarding the impact of this variant on protein structure and function. To our knowledge, functional studies have not been reported for this variant. This variant has not been reported in individuals affected with BRCA2-related disorders in the literature. This variant has been identified in 1/31404 chromosomes in the general population by the Genome Aggregation Database (gnomAD). The available evidence is insufficient to determine the role of this variant in disease conclusively. Therefore, this variant is classified as a Variant of Uncertain Significance.

Baylor Genetics
Classification: Uncertain significance for Familial cancer of breast. Last evaluated: 2023-09-11. Review status: criteria provided, single submitter. Criteria: ACMG Guidelines, 2015. Collection method: clinical testing. Allele origin: unknown.

Quest Diagnostics Nichols Institute San Juan Capistrano
Classification: Uncertain significance. Last evaluated: 2023-07-14. Review status: criteria provided, single submitter. Criteria: Quest Diagnostics criteria. Collection method: clinical testing. Allele origin: unknown.
Comment: This variant has not been reported in individuals with BRCA2-related conditions in the published literature. The frequency of this variant in the general population, 0.000032 (1/31404 chromosomes (Genome Aggregation Database)), is uninformative in the assessment of its pathogenicity. Analysis of this variant using bioinformatics tools for the prediction of the effect of amino acid changes on protein structure and function yielded conflicting predictions that this variant is benign or damaging. Based on the available information, we are unable to determine the clinical significance of this variant.

GeneDx
Classification: Uncertain significance. Last evaluated: 2019-09-18. Review status: criteria provided, single submitter. Criteria: GeneDx Variant Classification Process June 2021. Collection method: clinical testing. Allele origin: germline. Affected: yes.
Comment: Has not been previously published as pathogenic or benign to our knowledge; Not observed at a significant frequency in large population cohorts (Lek 2016); In silico analysis, which includes protein predictors and evolutionary conservation, supports that this variant does not alter protein structure/function; Also known as BRCA2 c.8779G>T

Literature cited by the submitters: PubMed 39779848 (cited by Ambry Genetics); PubMed 39779857 (cited by Ambry Genetics).